The following is an entry in ClinVar:

NM_001369.3(DNAH5):c.10169_10170insGATGTGTATAAGAGACAGT (p.Asp3390fs)

Gene: DNAH5 (dynein axonemal heavy chain 5; minus strand). Cytogenetic location: 5p15.2.
Variant type: Insertion.
Coding change: c.10169_10170insGATGTGTATAAGAGACAGT on transcript NM_001369.3 (MANE Select); coding-DNA positions 10169 to 10170, GATGTGTATAAGAGACAGT inserted.
Protein change: p.Asp3390fs; shifts the reading frame from aspartic acid 3390.
Molecular consequence: frameshift variant.
Genome position: GRCh38 VCF-style: chr5-13762833-G-GACTGTCTCTTATACACATC. GRCh37 (hg19) VCF-style: chr5-13762942-G-GACTGTCTCTTATACACATC.
Other names: short protein forms D3390fs.
Identifiers: ClinVar variation 5016334 (VCV005016334.1).
Genomic context (GRCh38, chr5:13,762,833, plus strand): 5'-CGTCCAGGAACAAAGACCAGCTACATTTCCACATACGCGTTTAGCAGTTTCGATGTTATA[G>GACTGTCTCTTATACACATC]TCAGGCATTTCAAAGTAAGGACTCAAAAATTCTATCACCTCTTCATTGATTGTGTCTTTT-3'

ClinVar aggregate classification (germline): Pathogenic (1 of 4 stars; one submission).

Conditions:
Primary ciliary dyskinesia 3. Identifiers: Orphanet 244, MedGen C1837618, MONDO:0012085, OMIM 608644.

Submission:

Myriad Genetics, Inc.
Classification: Pathogenic for Primary ciliary dyskinesia 3. Last evaluated: 2024-05-14. Review status: criteria provided, single submitter. Criteria: Myriad Autosomal Dominant, Autosomal Recessive and X-Linked Classification Criteria (2023). Collection method: clinical testing. Allele origin: unknown.
Comment: NM_001369.2(DNAH5):c.10169_10170ins19(D3390Efs*9) is expected to be pathogenic in the context of primary ciliary dyskinesia, DNAH5-related. This variant is predicted to lead to an abnormal or absent protein product due to the creation of a premature termination codon in DNAH5, a gene where loss-of-function variants are known to be pathogenic. Please note: this variant was assessed in the context of healthy population screening.